The following is an entry in ClinVar:

NM_032193.4(RNASEH2C):c.104A>G (p.Glu35Gly)

Genes: RNASEH2C (ribonuclease H2 subunit C; minus strand), LOC130006061 (ATAC-STARR-seq lymphoblastoid silent region 3553; plus strand). Cytogenetic location: 11q13.1.
Variant type: single nucleotide variant.
Coding change: c.104A>G on transcript NM_032193.4 (MANE Select); coding-DNA position 104, A replaced by G.
Protein change: p.Glu35Gly; replaces glutamic acid 35 with glycine.
Molecular consequence: missense variant.
Genome position (GRCh38, 1-based): chr11:65,720,655, T>C on the plus strand (A>G on the coding strand, the complement: RNASEH2C is on the minus strand). VCF-style: chr11-65720655-T-C. GRCh37 (hg19) VCF-style: chr11-65488126-T-C.
Other names: c.104A>G (NM_032193.3); short protein forms E35G.
Identifiers: ClinVar variation 1370935 (VCV001370935.5), dbSNP rs374512840, ClinGen allele CA6107831.
Genomic context (GRCh38, chr11:65,720,655, plus strand): 5'-CCCTGGCGGATGGCGGGCGTGAAGAAGCGCCCCACCGGGGCGGGCCCGTCCACCGCAACC[T>C]CGCAGGGCAGCAGATGCAGTGTGGCGGGTACGGCGTCGCGCAATGTGGCGGAGCGCAAGT-3'
Protein context (NP_115569.2, residues 25-45): VPATLHLLPC[Glu35Gly]VAVDGPAPVG

ClinVar aggregate classification (germline): Uncertain significance. Review status: criteria provided, multiple submitters, no conflicts (2 of 4 stars). 2 submissions from 2 submitters: Uncertain significance (2). Last evaluated 2025-04-15.

Conditions:
Inborn genetic diseases. Identifiers: MedGen C0950123, MeSH D030342.
Aicardi-Goutieres syndrome 3. Identifiers: Orphanet 51, MedGen C1835916, MONDO:0012471, OMIM 610329.

Allele frequency attached by ClinVar (database versions not stated): gnomAD exomes 0.00001; TOPMed 0.00003; ExAC 0.00003; gnomAD 0.00001; ESP Exome Variant Server 0.00008.
gnomAD v4.1: 21 of 1,586,254 alleles (0.0013%); highest among the groups gnomAD compares: Non-Finnish European, 0.0017%; no homozygotes.

Submissions (2):

Ambry Genetics
Classification: Uncertain significance for Inborn genetic diseases. Last evaluated: 2025-04-15. Review status: criteria provided, single submitter. Criteria: Ambry Variant Classification Scheme 2023. Collection method: clinical testing. Allele origin: germline.

Labcorp Genetics (formerly Invitae), Labcorp
Classification: Uncertain significance for Aicardi-Goutieres syndrome 3. Last evaluated: 2024-10-24. Review status: criteria provided, single submitter. Criteria: Invitae Variant Classification Sherloc (09022015). Collection method: clinical testing. Allele origin: germline.
Comment: This sequence change replaces glutamic acid, which is acidic and polar, with glycine, which is neutral and non-polar, at codon 35 of the RNASEH2C protein (p.Glu35Gly). The frequency data for this variant in the population databases is considered unreliable, as metrics indicate poor data quality at this position in the gnomAD database. This variant has not been reported in the literature in individuals affected with RNASEH2C-related conditions. ClinVar contains an entry for this variant (Variation ID: 1370935). An algorithm developed to predict the effect of missense changes on protein structure and function (PolyPhen-2) suggests that this variant is likely to be disruptive. In summary, the available evidence is currently insufficient to determine the role of this variant in disease. Therefore, it has been classified as a Variant of Uncertain Significance.